The following is an entry in ClinVar:

ClinVar aggregate classification (germline): Uncertain significance. Review status: criteria provided, multiple submitters, no conflicts (2 of 4 stars). 2 submissions from 2 submitters: Uncertain significance (2). Last evaluated 2025-06-18.

Conditions:
Inborn genetic diseases. Identifiers: MedGen C0950123, MeSH D030342.

Allele frequency attached by ClinVar (database versions not stated): gnomAD exomes below 0.00001.
gnomAD v4.1: 6 of 1,614,160 alleles (0.00037%); highest among the groups gnomAD compares: African/African-American, 0.0013%; no homozygotes.

Submissions (2):

Ambry Genetics
Classification: Uncertain significance for Inborn genetic diseases. Last evaluated: 2025-06-18. Review status: criteria provided, single submitter. Criteria: Ambry Variant Classification Scheme 2023. Collection method: clinical testing. Allele origin: germline.

Labcorp Genetics (formerly Invitae), Labcorp
Classification: Uncertain significance. Last evaluated: 2022-03-20. Review status: criteria provided, single submitter. Criteria: Invitae Variant Classification Sherloc (09022015). Collection method: clinical testing. Allele origin: germline.
Comment: This variant has not been reported in the literature in individuals affected with SNRNP200-related conditions. In summary, the available evidence is currently insufficient to determine the role of this variant in disease. Therefore, it has been classified as a Variant of Uncertain Significance. Algorithms developed to predict the effect of missense changes on protein structure and function are either unavailable or do not agree on the potential impact of this missense change (SIFT: "Deleterious"; PolyPhen-2: "Benign"; Align-GVGD: "Class C0"). This variant is not present in population databases (gnomAD no frequency). This sequence change replaces arginine, which is basic and polar, with cysteine, which is neutral and slightly polar, at codon 437 of the SNRNP200 protein (p.Arg437Cys).

NM_014014.5(SNRNP200):c.1309C>T (p.Arg437Cys)

Gene: SNRNP200 (small nuclear ribonucleoprotein U5 subunit 200; minus strand). Cytogenetic location: 2q11.2.
Variant type: single nucleotide variant.
Coding change: c.1309C>T on transcript NM_014014.5 (MANE Select); coding-DNA position 1309, C replaced by T.
Protein change: p.Arg437Cys; replaces arginine 437 with cysteine.
Molecular consequence: missense variant.
Genome position (GRCh38, 1-based): chr2:96,297,431, G>A on the plus strand (C>T on the coding strand, the complement: SNRNP200 is on the minus strand). VCF-style: chr2-96297431-G-A. GRCh37 (hg19) VCF-style: chr2-96963169-G-A.
Other names: c.1309C>T (NM_014014.4); short protein forms R437C.
Identifiers: ClinVar variation 2109828 (VCV002109828.5), dbSNP rs2467349895, ClinGen allele CA347683229.
Genomic context (GRCh38, chr2:96,297,431, plus strand): 5'-AGCCAAAGGGCTTGGGCTTCAGAGCAGGCACATGCACCTCTTCATAGCCCTTACGCTGGC[G>A]ACGGAAGGATCCATCAGGAAGCTGACAGCGTTTATTGGCCATAAAGTGGCTCCCTTGGGT-3'
Protein context (NP_054733.2, residues 427-447): RCQLPDGSFR[Arg437Cys]QRKGYEEVHV